The following is an entry in ClinVar:

NM_003590.5(CUL3):c.1377+4A>T

Gene: CUL3 (cullin 3; minus strand). Cytogenetic location: 2q36.2.
Variant type: single nucleotide variant.
Coding change: c.1377+4A>T on transcript NM_003590.5 (MANE Select); 4 bases into the intron after coding-DNA position 1377, A replaced by T.
Molecular consequence: intron variant.
Genome position (GRCh38, 1-based): chr2:224,503,648, T>A on the plus strand (A>T on the coding strand, the complement: CUL3 is on the minus strand). VCF-style: chr2-224503648-T-A. GRCh37 (hg19) VCF-style: chr2-225368365-T-A.
Other names: c.1179+4A>T (NM_001257197.2); c.1395+4A>T (NM_001257198.2).
Identifiers: ClinVar variation 3365258 (VCV003365258.1).

ClinVar aggregate classification (germline): Uncertain significance (1 of 4 stars; one submission).

Submission:

GeneDx
Classification: Uncertain significance. Last evaluated: 2023-12-04. Review status: criteria provided, single submitter. Criteria: GeneDx Variant Classification Process June 2021. Collection method: clinical testing. Allele origin: germline. Affected: yes.
Comment: Not observed at significant frequency in large population cohorts (gnomAD); In silico analysis supports that this variant does not alter splicing; Has not been previously published as pathogenic or benign to our knowledge